The following is an entry in ClinVar:

NM_001130144.3(LTBP3):c.2715C>A (p.His905Gln)

Gene: LTBP3 (latent transforming growth factor beta binding protein 3; minus strand). Cytogenetic location: 11q13.1.
Variant type: single nucleotide variant.
Coding change: c.2715C>A on transcript NM_001130144.3 (MANE Select); coding-DNA position 2715, C replaced by A.
Protein change: p.His905Gln; replaces histidine 905 with glutamine.
Molecular consequence: missense variant.
Genome position (GRCh38, 1-based): chr11:65,541,610, G>T on the plus strand (C>A on the coding strand, the complement: LTBP3 is on the minus strand). VCF-style: chr11-65541610-G-T. GRCh37 (hg19) VCF-style: chr11-65309081-G-T.
Other names: c.2364C>A, p.His788Gln (NM_001164266.1); c.2715C>A, p.His905Gln (NM_021070.4); short protein forms H788Q, H905Q.
Identifiers: ClinVar variation 2039452 (VCV002039452.4), dbSNP rs954989618, ClinGen allele CA381268577.

ClinVar aggregate classification (germline): Uncertain significance (1 of 4 stars; one submission).

Conditions:
Brachyolmia-amelogenesis imperfecta syndrome. Also called: PLATYSPONDYLY WITH AMELOGENESIS IMPERFECTA; Tooth agenesis, selective, 6; Dental anomalies and short stature. Identifiers: Orphanet 2899, MedGen C1832594, MONDO:0011018, OMIM 601216. Disease mechanism: loss of function.

Submission:

Labcorp Genetics (formerly Invitae), Labcorp
Classification: Uncertain significance for Brachyolmia-amelogenesis imperfecta syndrome. Last evaluated: 2022-12-06. Review status: criteria provided, single submitter. Criteria: Invitae Variant Classification Sherloc (09022015). Collection method: clinical testing. Allele origin: germline.
Comment: In summary, the available evidence is currently insufficient to determine the role of this variant in disease. Therefore, it has been classified as a Variant of Uncertain Significance. Algorithms developed to predict the effect of missense changes on protein structure and function (SIFT, PolyPhen-2, Align-GVGD) all suggest that this variant is likely to be tolerated. This variant has not been reported in the literature in individuals affected with LTBP3-related conditions. This variant is not present in population databases (gnomAD no frequency). This sequence change replaces histidine, which is basic and polar, with glutamine, which is neutral and polar, at codon 905 of the LTBP3 protein (p.His905Gln).